The following is an entry in ClinVar:

NM_022124.6(CDH23):c.4425C>T (p.Ser1475=)

Gene: CDH23 (cadherin related 23; plus strand). Cytogenetic location: 10q22.1.
Variant type: single nucleotide variant.
Coding change: c.4425C>T on transcript NM_022124.6 (MANE Select); coding-DNA position 4425, C replaced by T.
Protein change: p.Ser1475=; no amino-acid change (serine 1475 retained).
Molecular consequence: synonymous variant.
Genome position (GRCh38, 1-based): chr10:71,739,709, C>T. VCF-style: chr10-71739709-C-T. GRCh37 (hg19) VCF-style: chr10-73499466-C-T.
Identifiers: ClinVar variation 666663 (VCV000666663.15), dbSNP rs554295504, ClinGen allele CA5545043.

ClinVar aggregate classification (germline): Likely benign. Review status: criteria provided, multiple submitters, no conflicts (2 of 4 stars). 4 submissions from 4 submitters: Likely benign (3). 1 of the submissions does not count toward it. Last evaluated 2025-11-17.

Conditions:
CDH23-related disorder. Also called: CDH23-related condition; CDH23-related disorders.
Usher syndrome type 1 (USH1). Also called: RETINITIS PIGMENTOSA AND CONGENITAL DEAFNESS. Identifiers: Orphanet 231169, Orphanet 886, MedGen C1568247, MONDO:0010168, OMIM 276900.

Allele frequency attached by ClinVar (database versions not stated): gnomAD 0.00001; gnomAD exomes 0.00001; TOPMed 0.00001; ExAC 0.00002; 1000 Genomes Project 30x 0.00016; 1000 Genomes Project 0.00020.
gnomAD v4.1: 5 of 1,613,552 alleles (0.00031%); highest among the groups gnomAD compares: Middle Eastern, 0.017%; no homozygotes.

Submissions (4):

PreventionGenetics, part of Exact Sciences
Classification: Likely benign for CDH23-related condition. Last evaluated: 2025-11-17. Review status: criteria provided, single submitter. Criteria: ACMG Guidelines, 2015. Collection method: clinical testing. Allele origin: germline.
Comment: This variant is classified as likely benign based on ACMG/AMP sequence variant interpretation guidelines (Richards et al. 2015 PMID: 25741868, with internal and published modifications).

Labcorp Genetics (formerly Invitae), Labcorp
Classification: Likely benign. Last evaluated: 2024-01-31. Review status: criteria provided, single submitter. Criteria: Invitae Variant Classification Sherloc (09022015). Collection method: clinical testing. Allele origin: germline.

Laboratory for Molecular Medicine, Mass General Brigham Personalized Medicine
Classification: Likely benign. Last evaluated: 2018-06-27. Review status: criteria provided, single submitter. Criteria: LMM Criteria. Collection method: clinical testing. Allele origin: germline. Observed: 1 variant allele.
Comment: The p.Ser1475Ser variant in CDH23 is classified as likely benign because it does not alter an amino acid residue, it is not located within the splice consensus sequence, and splice prediction algorithms do not predict a newly created splice site. It has been identified in 4/126132 European chromosomes by the Genome Agg regation Database (gnomAD). ACMG/AMP Criteria applied: BP4, BP7.

Natera, Inc.
Classification: Likely benign for Usher syndrome type 1. Last evaluated: 2020-12-14. Review status: no assertion criteria provided. Collection method: clinical testing. Allele origin: germline. Not counted in ClinVar's aggregate classification.